The following is an entry in ClinVar:

ClinVar aggregate classification (germline): Uncertain significance. Review status: criteria provided, multiple submitters, no conflicts (2 of 4 stars). 2 submissions from 2 submitters: Uncertain significance (2). Last evaluated 2024-12-11.

Conditions:
Inborn genetic diseases. Identifiers: MedGen C0950123, MeSH D030342.

gnomAD v4.1: 21 of 1,594,752 alleles (0.0013%); highest among the groups gnomAD compares: Admixed American, 0.0034%; no homozygotes.

Submissions (2):

Mayo Clinic Laboratories, Mayo Clinic
Classification: Uncertain significance. Last evaluated: 2024-12-11. Review status: criteria provided, single submitter. Criteria: ACMG Guidelines, 2015. Collection method: clinical testing. Allele origin: germline. Observed: 1 variant allele.
Comment: PM2_supporting

Ambry Genetics
Classification: Uncertain significance for Inborn genetic diseases. Last evaluated: 2024-08-26. Review status: criteria provided, single submitter. Criteria: Ambry Variant Classification Scheme 2023. Collection method: clinical testing. Allele origin: germline.

NM_015175.3(NBEAL2):c.1217T>C (p.Ile406Thr)

Gene: NBEAL2 (neurobeachin like 2; plus strand). Cytogenetic location: 3p21.31.
Variant type: single nucleotide variant.
Coding change: c.1217T>C on transcript NM_015175.3 (MANE Select); coding-DNA position 1217, T replaced by C.
Protein change: p.Ile406Thr; replaces isoleucine 406 with threonine.
Molecular consequence: missense variant.
Genome position (GRCh38, 1-based): chr3:46,994,474, T>C. VCF-style: chr3-46994474-T-C. GRCh37 (hg19) VCF-style: chr3-47035964-T-C.
Other names: p.Ile406Thr; c.1115T>C, p.Ile372Thr (NM_001365116.2); short protein forms I372T, I406T.
Identifiers: ClinVar variation 3402996 (VCV003402996.2).